The following is an entry in ClinVar:

NM_015046.7(SETX):c.6936-6G>T

Gene: SETX (senataxin; minus strand). Cytogenetic location: 9q34.13.
Variant type: single nucleotide variant.
Coding change: c.6936-6G>T on transcript NM_015046.7 (MANE Select); 6 bases into the intron before coding-DNA position 6936, G replaced by T.
Molecular consequence: intron variant.
Genome position (GRCh38, 1-based): chr9:132,275,426, C>A on the plus strand (G>T on the coding strand, the complement: SETX is on the minus strand). VCF-style: chr9-132275426-C-A. GRCh37 (hg19) VCF-style: chr9-135150813-C-A.
Other names: c.6936-6G>T (NM_001351528.2, NM_001351527.2).
Identifiers: ClinVar variation 4682200 (VCV004682200.1).

ClinVar aggregate classification (germline): Uncertain significance (1 of 4 stars; one submission).

Submission:

Athena Diagnostics
Classification: Uncertain significance. Last evaluated: 2025-09-19. Review status: criteria provided, single submitter. Criteria: Athena Diagnostics Criteria. Collection method: clinical testing. Allele origin: unknown.
Comment: Available data are insufficient to determine the clinical significance of the variant at this time. This variant has not been reported in large, multi-ethnic general populations. Computational tools yielded predictions that this variant is unlikely to have an effect on normal RNA splicing.